The following is an entry in ClinVar:

NM_005956.4(MTHFD1):c.1494+1G>C

Gene: MTHFD1 (methylenetetrahydrofolate dehydrogenase, cyclohydrolase and formyltetrahydrofolate synthetase 1; plus strand). Cytogenetic location: 14q23.3.
Variant type: single nucleotide variant.
Coding change: c.1494+1G>C on transcript NM_005956.4 (MANE Select); the canonical splice donor site of the intron after coding-DNA position 1494, G replaced by C.
Molecular consequence: splice donor variant.
Genome position (GRCh38, 1-based): chr14:64,431,862, G>C. VCF-style: chr14-64431862-G-C. GRCh37 (hg19) VCF-style: chr14-64898580-G-C.
Other names: c.1494+1G>C (NM_001364837.1).
Identifiers: ClinVar variation 2762608 (VCV002762608.3), dbSNP rs2550502656, ClinGen allele CA389992144.
Genomic context (GRCh38, chr14:64,431,862, plus strand): 5'-TTGGTGCCATCAGTAAATGGAGTGAGAAGGTTCTCTGACATCCAAATCCGAAGGTTAAAG[G>C]TAAGCTTTTTTTCTTCCACATTTTTTATATTGTATGGAATCTGGAATCTGATCATTGATT-3'

ClinVar aggregate classification (germline): Likely pathogenic (1 of 4 stars; one submission).

Submission:

Labcorp Genetics (formerly Invitae), Labcorp
Classification: Likely pathogenic. Last evaluated: 2023-09-22. Review status: criteria provided, single submitter. Criteria: Invitae Variant Classification Sherloc (09022015). Collection method: clinical testing. Allele origin: germline.
Comment: This variant has not been reported in the literature in individuals affected with MTHFD1-related conditions. Algorithms developed to predict the effect of sequence changes on RNA splicing suggest that this variant may disrupt the consensus splice site. In summary, the currently available evidence indicates that the variant is pathogenic, but additional data are needed to prove that conclusively. Therefore, this variant has been classified as Likely Pathogenic. This variant is not present in population databases (gnomAD no frequency). This sequence change affects a donor splice site in intron 15 of the MTHFD1 gene. It is expected to disrupt RNA splicing. Variants that disrupt the donor or acceptor splice site typically lead to a loss of protein function (PMID: 16199547), and loss-of-function variants in MTHFD1 are known to be pathogenic (PMID: 21813566, 25633902).

Literature cited by the submitters: PubMed 16199547; PubMed 21813566; PubMed 25633902.